The following is an entry in ClinVar:

NM_005862.3(STAG1):c.810A>G (p.Leu270=)

Gene: STAG1 (STAG1 cohesin complex component; minus strand). Cytogenetic location: 3q22.3.
Variant type: single nucleotide variant.
Coding change: c.810A>G on transcript NM_005862.3 (MANE Select); coding-DNA position 810, A replaced by G.
Protein change: p.Leu270=; no amino-acid change (leucine 270 retained).
Molecular consequence: synonymous variant.
Genome position (GRCh38, 1-based): chr3:136,502,646, T>C on the plus strand (A>G on the coding strand, the complement: STAG1 is on the minus strand). VCF-style: chr3-136502646-T-C. GRCh37 (hg19) VCF-style: chr3-136221488-T-C.
Identifiers: ClinVar variation 2654181 (VCV002654181.25), dbSNP rs1933545103, ClinGen allele CA435841565.

ClinVar aggregate classification (germline): Likely benign. Review status: criteria provided, multiple submitters, no conflicts (2 of 4 stars). 2 submissions from 2 submitters: Likely benign (2). Last evaluated 2024-06-01.

Allele frequency attached by ClinVar (database versions not stated): gnomAD exomes 0.00001.
gnomAD v4.1: 10 of 1,613,474 alleles (0.00062%); highest among the groups gnomAD compares: Middle Eastern, 0.05%; no homozygotes.

Submissions (2):

CeGaT Center for Human Genetics Tuebingen
Classification: Likely benign. Last evaluated: 2024-06-01. Review status: criteria provided, single submitter. Criteria: CeGaT Center For Human Genetics Tuebingen Variant Classification Criteria Version 2. Collection method: clinical testing. Allele origin: germline. Affected: yes. Observed: 2 variant alleles.
Comment: STAG1: PM2:Supporting, BP4, BP7

Blueprint Genetics
Classification: Likely benign. Last evaluated: 2020-02-11. Review status: criteria provided, single submitter. Criteria: ACMG Guidelines, 2015. Collection method: clinical testing. Allele origin: germline.